The following is an entry in ClinVar:

ClinVar aggregate classification (germline): Likely benign (1 of 4 stars; one submission).

Submission:

CeGaT Center for Human Genetics Tuebingen
Classification: Likely benign. Last evaluated: 2025-10-01. Review status: criteria provided, single submitter. Criteria: CeGaT Center For Human Genetics Tuebingen Variant Classification Criteria Version 2. Collection method: clinical testing. Allele origin: germline. Affected: yes. Observed: 1 variant allele.
Comment: DYNC1H1: PM2, PP2, BS2

NM_001376.5(DYNC1H1):c.8285T>A (p.Leu2762Gln)

Gene: DYNC1H1 (dynein cytoplasmic 1 heavy chain 1; plus strand). Cytogenetic location: 14q32.31.
Variant type: single nucleotide variant.
Coding change: c.8285T>A on transcript NM_001376.5 (MANE Select); coding-DNA position 8285, T replaced by A.
Protein change: p.Leu2762Gln; replaces leucine 2762 with glutamine.
Molecular consequence: missense variant.
Genome position (GRCh38, 1-based): chr14:102,018,558, T>A. VCF-style: chr14-102018558-T-A. GRCh37 (hg19) VCF-style: chr14-102484895-T-A.
Other names: short protein forms L2762Q.
Identifiers: ClinVar variation 1176985 (VCV001176985.35), dbSNP rs2152583807, ClinGen allele CA391005620.